The following is an entry in ClinVar:

ClinVar aggregate classification (germline): Uncertain significance. Review status: criteria provided, multiple submitters, no conflicts (2 of 4 stars). 4 submissions from 4 submitters: Uncertain significance (4). Last evaluated 2025-06-11.

Conditions:
Epilepsy, familial focal, with variable foci 4 (FFEVF4). Identifiers: MedGen C4693694, MONDO:0054776, OMIM 617935.

Submissions (4):

GeneDx
Classification: Uncertain significance. Last evaluated: 2025-06-11. Review status: criteria provided, single submitter. Criteria: GeneDx Variant Classification Process June 2021. Collection method: clinical testing. Allele origin: germline. Affected: yes.
Comment: Not observed at significant frequency in large population cohorts (gnomAD); In silico analysis suggests that this missense variant does not alter protein structure/function; Has not been previously published as pathogenic or benign to our knowledge

Genomic Medicine Center of Excellence, King Faisal Specialist Hospital and Research Centre
Classification: Uncertain significance for Epilepsy, familial focal, with variable foci 4. Last evaluated: 2024-04-04. Review status: criteria provided, single submitter. Criteria: ACMG Guidelines, 2015. Collection method: clinical testing. Allele origin: germline.

Labcorp Genetics (formerly Invitae), Labcorp
Classification: Uncertain significance. Last evaluated: 2023-06-16. Review status: criteria provided, single submitter. Criteria: Invitae Variant Classification Sherloc (09022015). Collection method: clinical testing. Allele origin: germline.
Comment: This sequence change replaces glutamine, which is neutral and polar, with glutamic acid, which is acidic and polar, at codon 1390 of the SCN3A protein (p.Gln1390Glu). This variant is not present in population databases (gnomAD no frequency). This variant has not been reported in the literature in individuals affected with SCN3A-related conditions. Advanced modeling of protein sequence and biophysical properties (such as structural, functional, and spatial information, amino acid conservation, physicochemical variation, residue mobility, and thermodynamic stability) performed at Invitae indicates that this missense variant is not expected to disrupt SCN3A protein function. In summary, the available evidence is currently insufficient to determine the role of this variant in disease. Therefore, it has been classified as a Variant of Uncertain Significance.

CeGaT Center for Human Genetics Tuebingen
Classification: Uncertain significance. Last evaluated: 2023-02-01. Review status: criteria provided, single submitter. Criteria: CeGaT Center For Human Genetics Tuebingen Variant Classification Criteria Version 2. Collection method: clinical testing. Allele origin: germline. Affected: yes. Observed: 1 variant allele.
Comment: SCN3A: PM2, PP2

NM_006922.4(SCN3A):c.4168C>G (p.Gln1390Glu)

Gene: SCN3A (sodium voltage-gated channel alpha subunit 3; minus strand). Cytogenetic location: 2q24.3.
Variant type: single nucleotide variant.
Coding change: c.4168C>G on transcript NM_006922.4 (MANE Select); coding-DNA position 4168, C replaced by G.
Protein change: p.Gln1390Glu; replaces glutamine 1390 with glutamic acid.
Molecular consequence: missense variant.
Genome position (GRCh38, 1-based): chr2:165,097,323, G>C on the plus strand (C>G on the coding strand, the complement: SCN3A is on the minus strand). VCF-style: chr2-165097323-G-C. GRCh37 (hg19) VCF-style: chr2-165953833-G-C.
Other names: c.4021C>G, p.Gln1341Glu (NM_001081676.2, NM_001081677.2); c.4168C>G (NM_006922.3); short protein forms Q1341E, Q1390E.
Identifiers: ClinVar variation 2651479 (VCV002651479.28), dbSNP rs1685405207, ClinGen allele CA349025325.